The following is an entry in ClinVar:

NM_000051.4(ATM):c.975T>A (p.His325Gln)

Gene: ATM (ATM serine/threonine kinase; plus strand). Cytogenetic location: 11q22.3.
Variant type: single nucleotide variant.
Coding change: c.975T>A on transcript NM_000051.4 (MANE Select); coding-DNA position 975, T replaced by A.
Protein change: p.His325Gln; replaces histidine 325 with glutamine.
Molecular consequence: missense variant.
Genome position (GRCh38, 1-based): chr11:108,247,037, T>A. VCF-style: chr11-108247037-T-A. GRCh37 (hg19) VCF-style: chr11-108117764-T-A.
Other names: c.975T>A, p.His325Gln (NM_001351834.2); short protein forms H325Q.
Identifiers: ClinVar variation 1347768 (VCV001347768.8), dbSNP rs746825207, ClinGen allele CA382531097.
Genomic context (GRCh38, chr11:108,247,037, plus strand): 5'-AACAAAATGGAGAAGTATTTTATACAACTTATATGATCTGCTAGTGAATGAGATAAGTCA[T>A]ATAGGAAGTAGAGGAAAGTATTCTTCAGGATTTCGTAATATTGCCGTCAAAGAAAATTTG-3'
Protein context (NP_000042.3, residues 315-335): LYDLLVNEIS[His325Gln]IGSRGKYSSG

ClinVar aggregate classification (germline): Uncertain significance (1 of 4 stars; one submission).

Conditions:
Ataxia-telangiectasia syndrome (AT). Also called: Ataxia-telangiectasia, complementation group D; ATAXIA-TELANGIECTASIA, COMPLEMENTATION GROUP A; ATAXIA-TELANGIECTASIA, FRESNO VARIANT; Ataxia-telangiectasia, complementation group E; Cerebello-oculocutaneous telangiectasia; Immunodeficiency with ataxia telangiectasia. Identifiers: Orphanet 100, MedGen C0004135, MONDO:0008840, OMIM 208900.

Submission:

Labcorp Genetics (formerly Invitae), Labcorp
Classification: Uncertain significance for Ataxia-telangiectasia syndrome. Last evaluated: 2024-08-13. Review status: criteria provided, single submitter. Criteria: Invitae Variant Classification Sherloc (09022015). Collection method: clinical testing. Allele origin: germline.
Comment: This sequence change replaces histidine, which is basic and polar, with glutamine, which is neutral and polar, at codon 325 of the ATM protein (p.His325Gln). This variant is not present in population databases (gnomAD no frequency). This variant has not been reported in the literature in individuals affected with ATM-related conditions. ClinVar contains an entry for this variant (Variation ID: 1347768). An algorithm developed to predict the effect of missense changes on protein structure and function outputs the following: PolyPhen-2: "Benign". The glutamine amino acid residue is found in multiple mammalian species, which suggests that this missense change does not adversely affect protein function. In summary, the available evidence is currently insufficient to determine the role of this variant in disease. Therefore, it has been classified as a Variant of Uncertain Significance.